The following is an entry in ClinVar:

ClinVar aggregate classification (germline): Likely benign (1 of 4 stars; one submission).

gnomAD v4.1: 1 of 1,613,622 alleles (0.000062%); highest among the groups gnomAD compares: Non-Finnish European, 0.000085%; no homozygotes.

Submission:

CeGaT Center for Human Genetics Tuebingen
Classification: Likely benign. Last evaluated: 2024-04-01. Review status: criteria provided, single submitter. Criteria: CeGaT Center For Human Genetics Tuebingen Variant Classification Criteria Version 2. Collection method: clinical testing. Allele origin: germline. Affected: yes. Observed: 1 variant allele.
Comment: KIAA0586: PM2:Supporting, BP4, BP7

NM_001329943.3(KIAA0586):c.15G>A (p.Glu5=)

Gene: KIAA0586 (KIAA0586; plus strand). Cytogenetic location: 14q23.1.
Variant type: single nucleotide variant.
Coding change: c.15G>A on transcript NM_001329943.3 (MANE Select); coding-DNA position 15, G replaced by A.
Protein change: p.Glu5=; no amino-acid change (glutamic acid 5 retained).
Molecular consequence: synonymous variant. On other transcripts: 5 prime UTR variant (1), intron variant (5).
Genome position (GRCh38, 1-based): chr14:58,428,279, G>A. VCF-style: chr14-58428279-G-A. GRCh37 (hg19) VCF-style: chr14-58894997-G-A.
Other names: c.51G>A, p.Glu17= (NM_001244189.2); c.-31G>A (NM_001244190.2); c.15G>A, p.Glu5= (NM_001329944.2, NM_001329946.2, NM_001329947.2 and 1 more transcripts); c.-57+642G>A (NM_001244192.2, NM_001244191.2); c.-57+466G>A (NM_001364701.2, NM_001329945.2, NM_001364700.1).
Identifiers: ClinVar variation 3234725 (VCV003234725.20), dbSNP rs199554737, ClinGen allele CA486664646.